The following is an entry in ClinVar:

NM_000629.3(IFNAR1):c.637G>A (p.Gly213Ser)

Gene: IFNAR1 (interferon alpha and beta receptor subunit 1; plus strand). Cytogenetic location: 21q22.11.
Variant type: single nucleotide variant.
Coding change: c.637G>A on transcript NM_000629.3 (MANE Select); coding-DNA position 637, G replaced by A.
Protein change: p.Gly213Ser; replaces glycine 213 with serine.
Molecular consequence: missense variant. On other transcripts: 5 prime UTR variant (1).
Genome position (GRCh38, 1-based): chr21:33,343,640, G>A. VCF-style: chr21-33343640-G-A. GRCh37 (hg19) VCF-style: chr21-34715946-G-A.
Other names: c.637G>A, p.Gly213Ser (NM_001384498.1, NM_001384499.1, NM_001384501.1 and 1 more transcripts); c.-126G>A (NM_001384500.1); c.175G>A, p.Gly59Ser (NM_001384502.1); c.430G>A, p.Gly144Ser (NM_001384504.1); short protein forms G59S, G213S, G144S.
Identifiers: ClinVar variation 1475170 (VCV001475170.6), dbSNP rs200500052, ClinGen allele CA10006539.
Genomic context (GRCh38, chr21:33,343,640, plus strand): 5'-TCACCAGAGACTACTTATTGTCTAAAAGTTAAAGCAGCACTACTTACGTCATGGAAAATT[G>A]GTGTCTATAGTCCAGTACATTGTATAAAGACCACAGGTAAGGAAGATGTTTTGTTTTAGA-3'
Protein context (NP_000620.2, residues 203-223): KAALLTSWKI[Gly213Ser]VYSPVHCIKT

ClinVar aggregate classification (germline): Uncertain significance (1 of 4 stars; one submission).

Allele frequency attached by ClinVar (database versions not stated): gnomAD exomes below 0.00001; ExAC 0.00001; gnomAD 0.00001; 1000 Genomes Project 30x 0.00016; 1000 Genomes Project 0.00020.

Submission:

Labcorp Genetics (formerly Invitae), Labcorp
Classification: Uncertain significance. Last evaluated: 2024-07-01. Review status: criteria provided, single submitter. Criteria: Invitae Variant Classification Sherloc (09022015). Collection method: clinical testing. Allele origin: germline.
Comment: This sequence change replaces glycine, which is neutral and non-polar, with serine, which is neutral and polar, at codon 213 of the IFNAR1 protein (p.Gly213Ser). This variant is not present in population databases (gnomAD no frequency). This variant has not been reported in the literature in individuals affected with IFNAR1-related conditions. ClinVar contains an entry for this variant (Variation ID: 1475170). Algorithms developed to predict the effect of missense changes on protein structure and function output the following: SIFT: "Not Available"; PolyPhen-2: "Probably Damaging"; Align-GVGD: "Not Available". The serine amino acid residue is found in multiple mammalian species, which suggests that this missense change does not adversely affect protein function. In summary, the available evidence is currently insufficient to determine the role of this variant in disease. Therefore, it has been classified as a Variant of Uncertain Significance.